The following is an entry in ClinVar:

NM_014363.6(SACS):c.10824T>C (p.Ser3608=)

Gene: SACS (sacsin molecular chaperone; minus strand). Cytogenetic location: 13q12.12.
Variant type: single nucleotide variant.
Coding change: c.10824T>C on transcript NM_014363.6 (MANE Select); coding-DNA position 10824, T replaced by C.
Protein change: p.Ser3608=; no amino-acid change (serine 3608 retained).
Molecular consequence: synonymous variant.
Genome position (GRCh38, 1-based): chr13:23,333,052, A>G on the plus strand (T>C on the coding strand, the complement: SACS is on the minus strand). VCF-style: chr13-23333052-A-G. GRCh37 (hg19) VCF-style: chr13-23907191-A-G.
Other names: c.10383T>C, p.Ser3461= (NM_001278055.2); c.10824T>C (NM_014363.5).
Identifiers: ClinVar variation 1547765 (VCV001547765.9), dbSNP rs565066396, ClinGen allele CA6910383.

ClinVar aggregate classification (germline): Likely benign. Review status: criteria provided, multiple submitters, no conflicts (2 of 4 stars). 2 submissions from 2 submitters: Likely benign (2). Last evaluated 2026-08-05.

Conditions:
SACS-related disorder. Also called: SACS-related condition.
Spastic paraplegia. Identifiers: MedGen C0037772, HP:0001258.

Allele frequency attached by ClinVar (database versions not stated): gnomAD exomes below 0.00001; ExAC 0.00001; gnomAD 0.00002 and 0.00003; TOPMed 0.00003; 1000 Genomes Project 30x 0.00031; 1000 Genomes Project 0.00040.
gnomAD v4.1: 5 of 1,613,976 alleles (0.00031%); highest among the groups gnomAD compares: African/African-American, 0.0067%; no homozygotes.

Submissions (2):

PreventionGenetics, part of Exact Sciences
Classification: Likely benign for SACS-related condition. Last evaluated: 2026-08-05. Review status: criteria provided, single submitter. Criteria: ACMG Guidelines, 2015. Collection method: clinical testing. Allele origin: germline.
Comment: This variant is classified as likely benign based on ACMG/AMP sequence variant interpretation guidelines (Richards et al. 2015 PMID: 25741868, with internal and published modifications).

Labcorp Genetics (formerly Invitae), Labcorp
Classification: Likely benign for Spastic paraplegia. Last evaluated: 2023-04-07. Review status: criteria provided, single submitter. Criteria: Invitae Variant Classification Sherloc (09022015). Collection method: clinical testing. Allele origin: germline.